The following is an entry in ClinVar:

NM_152703.5(SAMD9L):c.2141G>C (p.Ser714Thr)

Gene: SAMD9L (sterile alpha motif domain containing 9 like; minus strand). Cytogenetic location: 7q21.2.
Variant type: single nucleotide variant.
Coding change: c.2141G>C on transcript NM_152703.5 (MANE Select); coding-DNA position 2141, G replaced by C.
Protein change: p.Ser714Thr; replaces serine 714 with threonine.
Molecular consequence: missense variant.
Genome position (GRCh38, 1-based): chr7:93,133,831, C>G on the plus strand (G>C on the coding strand, the complement: SAMD9L is on the minus strand). VCF-style: chr7-93133831-C-G. GRCh37 (hg19) VCF-style: chr7-92763144-C-G.
Other names: c.2141G>C, p.Ser714Thr (NM_001303496.3, NM_001303497.3, NM_001303498.3 and 5 more transcripts); short protein forms S714T.
Identifiers: ClinVar variation 4159449 (VCV004159449.1).

ClinVar aggregate classification (germline): Uncertain significance (1 of 4 stars; one submission).

Conditions:
Inborn genetic diseases. Identifiers: MedGen C0950123, MeSH D030342.

Submission:

Ambry Genetics
Classification: Uncertain significance for Inborn genetic diseases. Last evaluated: 2025-09-01. Review status: criteria provided, single submitter. Criteria: Ambry Variant Classification Scheme 2023. Collection method: clinical testing. Allele origin: germline.
Comment: The p.S714T variant (also known as c.2141G>C), located in coding exon 1 of the SAMD9L gene, results from a G to C substitution at nucleotide position 2141. The serine at codon 714 is replaced by threonine, an amino acid with similar properties. This amino acid position is conserved. In addition, this alteration is predicted to be tolerated by in silico analysis. Based on the available evidence, the clinical significance of this variant remains unclear.